The following is an entry in ClinVar:

ClinVar aggregate classification (germline): Uncertain significance (1 of 4 stars; one submission).

gnomAD v4.1: 1 of 1,550,604 alleles (0.000064%); highest among the groups gnomAD compares: South Asian, 0.0012%; no homozygotes.

Submission:

CeGaT Center for Human Genetics Tuebingen
Classification: Uncertain significance. Last evaluated: 2026-02-01. Review status: criteria provided, single submitter. Criteria: CeGaT Center For Human Genetics Tuebingen Variant Classification Criteria Version 2. Collection method: clinical testing. Allele origin: germline. Affected: yes. Observed: 1 variant allele.
Comment: OTOG: PM2

NM_001292063.2(OTOG):c.5741C>T (p.Ser1914Phe)

Gene: OTOG (otogelin; plus strand). Cytogenetic location: 11p15.1.
Variant type: single nucleotide variant.
Coding change: c.5741C>T on transcript NM_001292063.2 (MANE Select); coding-DNA position 5741, C replaced by T.
Protein change: p.Ser1914Phe; replaces serine 1914 with phenylalanine.
Molecular consequence: missense variant.
Genome position (GRCh38, 1-based): chr11:17,611,041, C>T. VCF-style: chr11-17611041-C-T. GRCh37 (hg19) VCF-style: chr11-17632588-C-T.
Other names: c.5777C>T, p.Ser1926Phe (NM_001277269.2); short protein forms S1914F, S1926F.
Identifiers: ClinVar variation 4823190 (VCV004823190.4).